The following is an entry in ClinVar:

NM_018129.4(PNPO):c.439A>G (p.Lys147Glu)

Gene: PNPO (pyridoxamine 5'-phosphate oxidase; plus strand). Cytogenetic location: 17q21.32.
Variant type: single nucleotide variant.
Coding change: c.439A>G on transcript NM_018129.4 (MANE Select); coding-DNA position 439, A replaced by G.
Protein change: p.Lys147Glu; replaces lysine 147 with glutamic acid.
Molecular consequence: missense variant.
Genome position (GRCh38, 1-based): chr17:47,945,882, A>G. VCF-style: chr17-47945882-A-G. GRCh37 (hg19) VCF-style: chr17-46023248-A-G.
Other names: short protein forms K147E.
Identifiers: ClinVar variation 1912839 (VCV001912839.2), dbSNP rs2509293439, ClinGen allele CA400058640.

ClinVar aggregate classification (germline): Uncertain significance (1 of 4 stars; one submission).

Conditions:
Pyridoxal phosphate-responsive seizures (PNPOD). Also called: SEIZURES, PYRIDOXINE-RESISTANT, PLP-SENSITIVE; Pyridoxamine 5-Prime-Phosphate Oxidase Deficiency; EPILEPTIC ENCEPHALOPATHY, NEONATAL, PNPO-RELATED; Pyridoxal 5'-Phosphate (PLP)-Dependent Epilepsy; Pyridoxine-5'-phosphate oxidase deficiency. Identifiers: Orphanet 79096, MedGen C1864723, MONDO:0012407, OMIM 610090. Disease mechanism: loss of function.

Submission:

Labcorp Genetics (formerly Invitae), Labcorp
Classification: Uncertain significance for Pyridoxal phosphate-responsive seizures. Last evaluated: 2022-05-05. Review status: criteria provided, single submitter. Criteria: Invitae Variant Classification Sherloc (09022015). Collection method: clinical testing. Allele origin: germline.
Comment: This sequence change replaces lysine, which is basic and polar, with glutamic acid, which is acidic and polar, at codon 147 of the PNPO protein (p.Lys147Glu). This variant is not present in population databases (gnomAD no frequency). This variant has not been reported in the literature in individuals affected with PNPO-related conditions. Algorithms developed to predict the effect of missense changes on protein structure and function (SIFT, PolyPhen-2, Align-GVGD) all suggest that this variant is likely to be tolerated. In summary, the available evidence is currently insufficient to determine the role of this variant in disease. Therefore, it has been classified as a Variant of Uncertain Significance.